The following is an entry in ClinVar:

ClinVar aggregate classification (germline): Uncertain significance. Review status: criteria provided, multiple submitters, no conflicts (2 of 4 stars). 2 submissions from 2 submitters: Uncertain significance (2). Last evaluated 2025-07-02.

Conditions:
Sulfite oxidase deficiency. Also called: Isolated sulfite oxidase deficiency. Identifiers: Orphanet 833, Orphanet 99731, MedGen C0268624, MONDO:0010089, OMIM 272300, HP:0003643.

Allele frequency attached by ClinVar (database versions not stated): gnomAD exomes below 0.00001 and 0.00001; gnomAD 0.00001; TOPMed 0.00001; ExAC 0.00002.
gnomAD v4.1: 6 of 1,613,942 alleles (0.00037%); highest among the groups gnomAD compares: Admixed American, 0.0033%; no homozygotes.

Submissions (2):

Mayo Clinic Laboratories, Mayo Clinic
Classification: Uncertain significance. Last evaluated: 2025-07-02. Review status: criteria provided, single submitter. Criteria: ACMG Guidelines, 2015. Collection method: clinical testing. Allele origin: germline. Observed: 1 variant allele.
Comment: PP2, PM2_supporting

Labcorp Genetics (formerly Invitae), Labcorp
Classification: Uncertain significance for Sulfite oxidase deficiency. Last evaluated: 2021-08-14. Review status: criteria provided, single submitter. Criteria: Invitae Variant Classification Sherloc (09022015). Collection method: clinical testing. Allele origin: germline.
Comment: This sequence change replaces valine with isoleucine at codon 234 of the SUOX protein (p.Val234Ile). The valine residue is moderately conserved and there is a small physicochemical difference between valine and isoleucine. This variant is present in population databases (rs201490900, ExAC 0.02%). This variant has not been reported in the literature in individuals affected with SUOX-related conditions. Algorithms developed to predict the effect of missense changes on protein structure and function output the following: SIFT: "Tolerated"; PolyPhen-2: "Benign"; Align-GVGD: "Class C0". The isoleucine amino acid residue is found in multiple mammalian species, which suggests that this missense change does not adversely affect protein function. In summary, the available evidence is currently insufficient to determine the role of this variant in disease. Therefore, it has been classified as a Variant of Uncertain Significance.

NM_001032386.2(SUOX):c.700G>A (p.Val234Ile)

Gene: SUOX (sulfite oxidase; plus strand). Cytogenetic location: 12q13.2.
Variant type: single nucleotide variant.
Coding change: c.700G>A on transcript NM_001032386.2 (MANE Select); coding-DNA position 700, G replaced by A.
Protein change: p.Val234Ile; replaces valine 234 with isoleucine.
Molecular consequence: missense variant.
Genome position (GRCh38, 1-based): chr12:56,004,089, G>A. VCF-style: chr12-56004089-G-A. GRCh37 (hg19) VCF-style: chr12-56397873-G-A.
Other names: p.Val234Ile; c.700G>A, p.Val234Ile (NM_000456.3, NM_001032387.2); short protein forms V234I.
Identifiers: ClinVar variation 1412220 (VCV001412220.7), dbSNP rs201490900, ClinGen allele CA6621030.